The following is an entry in ClinVar:

NM_032043.3(BRIP1):c.3199T>C (p.Cys1067Arg)

Gene: BRIP1 (BRCA1 interacting DNA helicase 1; minus strand). Cytogenetic location: 17q23.2.
Variant type: single nucleotide variant.
Coding change: c.3199T>C on transcript NM_032043.3 (MANE Select); coding-DNA position 3199, T replaced by C.
Protein change: p.Cys1067Arg; replaces cysteine 1067 with arginine.
Molecular consequence: missense variant.
Genome position (GRCh38, 1-based): chr17:61,683,847, A>G on the plus strand (T>C on the coding strand, the complement: BRIP1 is on the minus strand). VCF-style: chr17-61683847-A-G. GRCh37 (hg19) VCF-style: chr17-59761208-A-G.
Other names: short protein forms C1067R.
Identifiers: ClinVar variation 843839 (VCV000843839.12), dbSNP rs878855153, ClinGen allele CA400479350.

ClinVar aggregate classification (germline): Uncertain significance. Review status: criteria provided, multiple submitters, no conflicts (2 of 4 stars). 3 submissions from 3 submitters: Uncertain significance (3). Last evaluated 2025-07-08.

Conditions:
Hereditary cancer-predisposing syndrome. Also called: Neoplastic Syndromes, Hereditary; Hereditary neoplastic syndrome; Tumor predisposition; Hereditary Cancer Syndrome. Identifiers: Orphanet 140162, MedGen C0027672, MeSH D009386, MONDO:0015356.
Familial cancer of breast. Also called: hereditary breast carcinoma; BREAST CANCER, FAMILIAL; Hereditary breast cancer. Identifiers: Orphanet 227535, MedGen C0346153, MONDO:0016419, OMIM 114480. Disease mechanism: loss of function.
Fanconi anemia complementation group J. Also called: BRIP1-Related Fanconi Anemia. Identifiers: Orphanet 84, MedGen C1836860, MONDO:0012187, OMIM 609054.

gnomAD v4.1: 2 of 1,614,190 alleles (0.00012%); highest among the groups gnomAD compares: East Asian, 0.0022%; no homozygotes.

Submissions (3):

Labcorp Genetics (formerly Invitae), Labcorp
Classification: Uncertain significance for Familial cancer of breast; Fanconi anemia complementation group J. Last evaluated: 2025-07-08. Review status: criteria provided, single submitter. Criteria: Invitae Variant Classification Sherloc (09022015). Collection method: clinical testing. Allele origin: germline.
Comment: This sequence change replaces cysteine, which is neutral and slightly polar, with arginine, which is basic and polar, at codon 1067 of the BRIP1 protein (p.Cys1067Arg). This variant is not present in population databases (gnomAD no frequency). This variant has not been reported in the literature in individuals affected with BRIP1-related conditions. ClinVar contains an entry for this variant (Variation ID: 843839). Invitae Evidence Modeling of protein sequence and biophysical properties (such as structural, functional, and spatial information, amino acid conservation, physicochemical variation, residue mobility, and thermodynamic stability) indicates that this missense variant is not expected to disrupt BRIP1 protein function with a negative predictive value of 95%. In summary, the available evidence is currently insufficient to determine the role of this variant in disease. Therefore, it has been classified as a Variant of Uncertain Significance.

Ambry Genetics
Classification: Uncertain significance for Hereditary cancer-predisposing syndrome. Last evaluated: 2023-10-10. Review status: criteria provided, single submitter. Criteria: Ambry Variant Classification Scheme 2023. Collection method: clinical testing. Allele origin: germline.
Comment: The p.C1067R variant (also known as c.3199T>C), located in coding exon 19 of the BRIP1 gene, results from a T to C substitution at nucleotide position 3199. The cysteine at codon 1067 is replaced by arginine, an amino acid with highly dissimilar properties. This amino acid position is conserved. In addition, this alteration is predicted to be tolerated by in silico analysis. Since supporting evidence is limited at this time, the clinical significance of this alteration remains unclear.

Baylor Genetics
Classification: Uncertain significance for Familial cancer of breast. Last evaluated: 2023-10-06. Review status: criteria provided, single submitter. Criteria: ACMG Guidelines, 2015. Collection method: clinical testing. Allele origin: unknown.